The following is an entry in ClinVar:

ClinVar aggregate classification (germline): Uncertain significance (1 of 4 stars; one submission).

Conditions:
Fanconi anemia (FA). Also called: Fanconi's anemia. Identifiers: Orphanet 84, MedGen C0015625, MeSH D005199, MONDO:0019391.

Submission:

Labcorp Genetics (formerly Invitae), Labcorp
Classification: Uncertain significance for Fanconi anemia. Last evaluated: 2025-05-11. Review status: criteria provided, single submitter. Criteria: Invitae Variant Classification Sherloc (09022015). Collection method: clinical testing. Allele origin: germline.
Comment: This sequence change replaces glycine, which is neutral and non-polar, with arginine, which is basic and polar, at codon 727 of the FANCM protein (p.Gly727Arg). This variant is not present in population databases (gnomAD no frequency). This variant has not been reported in the literature in individuals affected with FANCM-related conditions. An algorithm developed to predict the effect of missense changes on protein structure and function (PolyPhen-2) suggests that this variant is likely to be tolerated. In summary, the available evidence is currently insufficient to determine the role of this variant in disease. Therefore, it has been classified as a Variant of Uncertain Significance.

NM_020937.4(FANCM):c.2179G>A (p.Gly727Arg)

Gene: FANCM (FA complementation group M; plus strand). Cytogenetic location: 14q21.2.
Variant type: single nucleotide variant.
Coding change: c.2179G>A on transcript NM_020937.4 (MANE Select); coding-DNA position 2179, G replaced by A.
Protein change: p.Gly727Arg; replaces glycine 727 with arginine.
Molecular consequence: missense variant.
Genome position (GRCh38, 1-based): chr14:45,173,073, G>A. VCF-style: chr14-45173073-G-A. GRCh37 (hg19) VCF-style: chr14-45642276-G-A.
Other names: c.2101G>A, p.Gly701Arg (NM_001308133.2); short protein forms G727R, G701R.
Identifiers: ClinVar variation 4718850 (VCV004718850.1).